The following is an entry in ClinVar:

ClinVar aggregate classification (germline): Likely pathogenic (1 of 4 stars; one submission).

Conditions:
Congenital lactic acidosis, Saguenay-Lac-Saint-Jean type (MC4DN5). Also called: CYTOCHROME c OXIDASE DEFICIENCY, FRENCH CANADIAN TYPE; COX DEFICIENCY, FRENCH CANADIAN TYPE; MITOCHONDRIAL COMPLEX IV DEFICIENCY, NUCLEAR TYPE 5. Identifiers: Orphanet 70472, MedGen C1857355, MONDO:0009069, OMIM 220111.

Submission:

Natera, Inc.
Classification: Likely pathogenic for French-Canadian type Leigh syndrome. Last evaluated: 2026-01-08. Review status: criteria provided, single submitter. Criteria: Natera Variant Classification Schema (03/2026). Collection method: clinical testing. Allele origin: germline.
Comment: The c.589del variant in LRPPRC is a frameshift variant predicted to shift the reading frame beginning at codon 197 and leads to a stop codon 2 codons downstream. This variant is expected to result in nonsense mediated decay, truncation, or a dysfunctional protein product. This variant is rare in the general population with a frequency below the threshold expected for the associated phenotype(s). Given the available evidence, this variant is classified as Likely Pathogenic.

NM_133259.4(LRPPRC):c.589del (p.Arg197fs)

Gene: LRPPRC (leucine rich pentatricopeptide repeat containing; minus strand). Cytogenetic location: 2p21.
Variant type: Deletion.
Coding change: c.589del on transcript NM_133259.4 (MANE Select); coding-DNA position 589, one base deleted (C; older notation c.589delC).
Protein change: p.Arg197fs; shifts the reading frame from arginine 197.
Molecular consequence: frameshift variant.
Genome position (GRCh38, 1-based): chr2:43,977,157, G deleted on the plus strand (C on the coding strand, the reverse complement: LRPPRC is on the minus strand). VCF-style (leftmost placement, unchanged base first): chr2-43977156-CG-C. GRCh37 (hg19) VCF-style: chr2-44204295-CG-C.
Other names: short protein forms R197fs.
Identifiers: ClinVar variation 4816495 (VCV004816495.1).